The following is an entry in ClinVar:

NM_000400.4(ERCC2):c.1737C>T (p.Val579=)

Gene: ERCC2 (ERCC excision repair 2, TFIIH core complex helicase subunit; minus strand). Cytogenetic location: 19q13.32.
Variant type: single nucleotide variant.
Coding change: c.1737C>T on transcript NM_000400.4 (MANE Select); coding-DNA position 1737, C replaced by T.
Protein change: p.Val579=; no amino-acid change (valine 579 retained).
Molecular consequence: synonymous variant.
Genome position (GRCh38, 1-based): chr19:45,353,263, G>A on the plus strand (C>T on the coding strand, the complement: ERCC2 is on the minus strand). VCF-style: chr19-45353263-G-A. GRCh37 (hg19) VCF-style: chr19-45856521-G-A.
Identifiers: ClinVar variation 256015 (VCV000256015.44), dbSNP rs3916876, ClinGen allele CA9513129.

ClinVar aggregate classification (germline): Benign/Likely benign. Review status: criteria provided, multiple submitters, no conflicts (2 of 4 stars). 7 submissions from 7 submitters: Benign (2); Likely benign (5). Last evaluated 2026-10-01.

Conditions:
Inborn genetic diseases. Identifiers: MedGen C0950123, MeSH D030342.
Cerebrooculofacioskeletal syndrome 2 (COFS2). Identifiers: MedGen C1853102, MONDO:0012553, OMIM 610756.
Xeroderma pigmentosum, group D (XPD). Also called: XERODERMA PIGMENTOSUM, COMPLEMENTATION GROUP D; XERODERMA PIGMENTOSUM IV; XP, GROUP D; XP, GROUP H; ERCC2-Related Xeroderma Pigmentosum. Identifiers: MedGen C0268138, MONDO:0010212, OMIM 278730.
Trichothiodystrophy 1, photosensitive (TTD1). Also called: TAY SYNDROME; TRICHOTHIODYSTROPHY WITH CONGENITAL ICHTHYOSIS; PIBIDS SYNDROME. Identifiers: Orphanet 33364, MedGen C1866504, MONDO:0011125, OMIM 601675.

Allele frequency attached by ClinVar (database versions not stated): gnomAD exomes 0.00061 and 0.00225; ESP Exome Variant Server 0.00062; gnomAD 0.00096 and 0.00105; TOPMed 0.00154; ExAC 0.00176; 1000 Genomes Project 0.00240; 1000 Genomes Project 30x 0.00297.
gnomAD v4.1: 1,032 of 1,613,878 alleles (0.064%); highest among the groups gnomAD compares: Admixed American, 1.1%; 10 homozygotes.

Submissions (7):

CeGaT Center for Human Genetics Tuebingen
Classification: Likely benign. Last evaluated: 2026-10-01. Review status: criteria provided, single submitter. Criteria: CeGaT Center For Human Genetics Tuebingen Variant Classification Criteria Version 2. Collection method: clinical testing. Allele origin: germline. Affected: yes. Observed: 12 variant alleles.
Comment: ERCC2: BP4, BP7, BS1

Labcorp Genetics (formerly Invitae), Labcorp
Classification: Benign. Last evaluated: 2026-02-04. Review status: criteria provided, single submitter. Criteria: Invitae Variant Classification Sherloc (09022015). Collection method: clinical testing. Allele origin: germline.

Ambry Genetics
Classification: Likely benign for Inborn genetic diseases. Last evaluated: 2022-02-12. Review status: criteria provided, single submitter. Criteria: Ambry Variant Classification Scheme 2023. Collection method: clinical testing. Allele origin: germline.

Fulgent Genetics
Classification: Likely benign for Xeroderma pigmentosum, group D; Trichothiodystrophy 1, photosensitive; Cerebrooculofacioskeletal syndrome 2. Last evaluated: 2022-01-10. Review status: criteria provided, single submitter. Criteria: ACMG Guidelines, 2015. Collection method: clinical testing. Allele origin: unknown.

Illumina Laboratory Services, Illumina
Classification: Likely benign for Xeroderma pigmentosum, group D. Last evaluated: 2017-04-27. Review status: criteria provided, single submitter. Criteria: ICSL Variant Classification Criteria 13 December 2019. Collection method: clinical testing. Allele origin: germline.
Comment: This variant was observed as part of a predisposition screen in an ostensibly healthy population. A literature search was performed for the gene, cDNA change, and amino acid change (where applicable). Publications were found based on this search. The evidence from the literature, in combination with allele frequency data from public databases where available, was sufficient to determine this variant is unlikely to cause disease. Therefore, this variant is classified as likely benign.

Breakthrough Genomics
Classification: Likely benign. Review status: criteria provided, single submitter. Criteria: ACMG Guidelines, 2015. Collection method: not provided. Allele origin: germline. Inheritance: Autosomal recessive inheritance. Affected: yes.

PreventionGenetics, part of Exact Sciences
Classification: Benign. Review status: criteria provided, single submitter. Criteria: ACMG Guidelines, 2015. Collection method: clinical testing. Allele origin: germline.

Literature cited by the submitters: PubMed 16054878 (cited by Illumina Laboratory Services, Illumina); PubMed 15534626 (cited by Illumina Laboratory Services, Illumina); PubMed 18709642 (cited by Illumina Laboratory Services, Illumina).